The following is an entry in ClinVar:

ClinVar aggregate classification (germline): Uncertain significance. Review status: criteria provided, multiple submitters, no conflicts (2 of 4 stars). 2 submissions from 2 submitters: Uncertain significance (2). Last evaluated 2023-12-13.

Conditions:
Familial thoracic aortic aneurysm and aortic dissection (TAAD). Also called: Thoracic aortic aneurysms and dissections. Identifiers: Orphanet 91387, MedGen C4707243, MONDO:0019625.
Marfan syndrome (MFS). Also called: MARFAN SYNDROME, TYPE I; Marfan syndrome type 1; Marfan's syndrome; Marfan syndrome, classic; FBN1-Related Marfan Syndrome. Identifiers: Orphanet 284963, Orphanet 558, MedGen C0024796, MONDO:0007947, OMIM 154700.

Allele frequency attached by ClinVar (database versions not stated): TOPMed 0.00001; gnomAD 0.00001; gnomAD exomes below 0.00001.
gnomAD v4.1: 3 of 1,613,984 alleles (0.00019%); highest among the groups gnomAD compares: Admixed American, 0.005%; no homozygotes.

Submissions (2):

All of Us Research Program, National Institutes of Health
Classification: Uncertain significance for Marfan syndrome. Last evaluated: 2023-12-13. Review status: criteria provided, single submitter. Criteria: ACMG Guidelines, 2015. Collection method: clinical testing. Allele origin: germline. Inheritance: Autosomal dominant inheritance. Observed: 1 variant allele, 1 heterozygote.
Comment: This missense variant replaces leucine with phenylalanine at codon 2612 of the FBN1 protein. Computational prediction is inconclusive regarding the impact of this variant on protein structure and function (internally defined REVEL score threshold 0.5 < inconclusive < 0.7, PMID: 27666373). To our knowledge, functional studies have not been reported for this variant. This variant has not been reported in individuals affected with FBN1-related disorders in the literature. This variant has been identified in 2/251028 chromosomes in the general population by the Genome Aggregation Database (gnomAD). The available evidence is insufficient to determine the role of this variant in disease conclusively. Therefore, this variant is classified as a Variant of Uncertain Significance.

This study involves interpretation of variants in research participants for the purpose of population health screening. Participant phenotype was not available at the time of variant classification. Additional details can be found in publication PMID: 35346344, PMCID: PMC8962531

Labcorp Genetics (formerly Invitae), Labcorp
Classification: Uncertain significance for Marfan syndrome; Familial thoracic aortic aneurysm and aortic dissection. Last evaluated: 2022-07-19. Review status: criteria provided, single submitter. Criteria: Invitae Variant Classification Sherloc (09022015). Collection method: clinical testing. Allele origin: germline.
Comment: In summary, the available evidence is currently insufficient to determine the role of this variant in disease. Therefore, it has been classified as a Variant of Uncertain Significance. Algorithms developed to predict the effect of missense changes on protein structure and function are either unavailable or do not agree on the potential impact of this missense change (SIFT: "Deleterious"; PolyPhen-2: "Probably Damaging"; Align-GVGD: "Class C0"). This variant has not been reported in the literature in individuals affected with FBN1-related conditions. This variant is present in population databases (no rsID available, gnomAD 0.006%). This sequence change replaces leucine, which is neutral and non-polar, with phenylalanine, which is neutral and non-polar, at codon 2612 of the FBN1 protein (p.Leu2612Phe).

NM_000138.5(FBN1):c.7834C>T (p.Leu2612Phe)

Gene: FBN1 (fibrillin 1; minus strand). Cytogenetic location: 15q21.1.
Variant type: single nucleotide variant.
Coding change: c.7834C>T on transcript NM_000138.5 (MANE Select); coding-DNA position 7834, C replaced by T.
Protein change: p.Leu2612Phe; replaces leucine 2612 with phenylalanine.
Molecular consequence: missense variant.
Genome position (GRCh38, 1-based): chr15:48,415,753, G>A on the plus strand (C>T on the coding strand, the complement: FBN1 is on the minus strand). VCF-style: chr15-48415753-G-A. GRCh37 (hg19) VCF-style: chr15-48707950-G-A.
Other names: c.7834C>T, p.Leu2612Phe (NM_001406716.1); short protein forms L2612F.
Identifiers: ClinVar variation 2139396 (VCV002139396.5), dbSNP rs915358842, ClinGen allele CA269519055.